The following is an entry in ClinVar:

ClinVar aggregate classification (germline): Pathogenic. Review status: criteria provided, multiple submitters, no conflicts (2 of 4 stars). 7 submissions from 7 submitters: Pathogenic (7). Last evaluated 2025-10-01.

Conditions:
Hereditary nonpolyposis colon cancer (HNPCC). Also called: Hereditary nonpolyposis colorectal cancer; Familial nonpolyposis colon cancer; Hereditary Nonpolyposis Colorectal Cancer Syndrome. Identifiers: Orphanet 443909, MedGen C1333990, MONDO:0018630. Disease mechanism: loss of function.
Lynch syndrome 4 (LYNCH4). Also called: Colorectal cancer, hereditary nonpolyposis, type 4; Hereditary non-polyposis colorectal cancer, type 4. Identifiers: Orphanet 144, MedGen C1838333, MONDO:0013699, OMIM 614337. Disease mechanism: loss of function.
Hereditary nonpolyposis colorectal neoplasms. Identifiers: MedGen C0009405, MeSH D003123.
Hereditary cancer-predisposing syndrome. Also called: Neoplastic Syndromes, Hereditary; Tumor predisposition; Hereditary Cancer Syndrome; Hereditary neoplastic syndrome. Identifiers: Orphanet 140162, MedGen C0027672, MeSH D009386, MONDO:0015356.

Allele frequency attached by ClinVar (database versions not stated): gnomAD exomes 0.00001.

Submissions (7):

Labcorp Genetics (formerly Invitae), Labcorp
Classification: Pathogenic for Hereditary nonpolyposis colorectal neoplasms. Last evaluated: 2025-10-01. Review status: criteria provided, single submitter. Criteria: Invitae Variant Classification Sherloc (09022015). Collection method: clinical testing. Allele origin: germline.
Comment: This sequence change creates a premature translational stop signal (p.Gln719*) in the PMS2 gene. It is expected to result in an absent or disrupted protein product. Loss-of-function variants in PMS2 are known to be pathogenic (PMID: 21376568, 24362816). The frequency data for this variant in the population databases (gnomAD) is considered unreliable due to the presence of homologous sequence, such as pseudogenes or paralogs, in the genome. This premature translational stop signal has been observed in individual(s) with clinical features of Lynch syndrome and/or prostate cancer (PMID: 25512458, 31948886). ClinVar contains an entry for this variant (Variation ID: 231993). For these reasons, this variant has been classified as Pathogenic.

Ambry Genetics
Classification: Pathogenic for Hereditary cancer-predisposing syndrome. Last evaluated: 2025-09-30. Review status: criteria provided, single submitter. Criteria: Ambry Variant Classification Scheme 2023. Collection method: clinical testing. Allele origin: germline.
Comment: The p.Q719* pathogenic mutation (also known as c.2155C>T), located in coding exon 12 of the PMS2 gene, results from a C to T substitution at nucleotide position 2155. This changes the amino acid from a glutamine to a stop codon within coding exon 12. This mutation was reported in one family from a cohort of 98 PMS2 positive families (ten Broeke SW et al. J. Clin. Oncol. 2015 Feb; 33(4):319-25). In a cohort of European PMS2 mutation carriers, this variant was identified in three carriers (3/381) from two different families (2/130) (Suerink M et al. Genet Med, 2016 Apr;18:405-9). In addition to the clinical data presented in the literature, this alteration is expected to result in loss of function by premature protein truncation or nonsense-mediated mRNA decay. As such, this alteration is interpreted as a disease-causing mutation.

Color Diagnostics, LLC DBA Color Health
Classification: Pathogenic for Hereditary cancer-predisposing syndrome. Last evaluated: 2025-08-11. Review status: criteria provided, single submitter. Criteria: ACMG Guidelines, 2015. Collection method: clinical testing. Allele origin: germline.
Comment: This variant changes 1 nucleotide in exon 12 of the PMS2 gene, creating a premature translation stop signal. This variant is expected to result in an absent or non-functional protein product. This variant has been reported in families affected with Lynch syndrome associated cancers (PMID: 25512458, 35734982). This variant has been identified in 2/236580 chromosomes in the general population by the Genome Aggregation Database (gnomAD). Loss of PMS2 function is a known mechanism of disease. Based on the available evidence, this variant is classified as Pathogenic.

GeneDx
Classification: Pathogenic. Last evaluated: 2024-01-02. Review status: criteria provided, single submitter. Criteria: GeneDx Variant Classification Process June 2021. Collection method: clinical testing. Allele origin: germline. Affected: yes.
Comment: Nonsense variant predicted to result in protein truncation or nonsense mediated decay in a gene for which loss of function is a known mechanism of disease; Not observed at significant frequency in large population cohorts (gnomAD); Truncating variants in this gene are considered pathogenic by a well-established clinical consortium and/or database; This variant is associated with the following publications: (PMID: 25111426, 32782288, 25512458, 26110232, 31948886, 27435373, 24362816, 21376568, 35734982)

Myriad Genetics, Inc.
Classification: Pathogenic for Lynch syndrome 4. Last evaluated: 2023-09-21. Review status: criteria provided, single submitter. Criteria: Myriad Autosomal Dominant, Autosomal Recessive and X-Linked Classification Criteria (2023). Collection method: clinical testing. Allele origin: unknown.
Comment: This variant is considered pathogenic. This variant creates a termination codon and is predicted to result in premature protein truncation.

Women's Health and Genetics/Laboratory Corporation of America, LabCorp
Classification: Pathogenic for Lynch syndrome. Last evaluated: 2019-01-16. Review status: criteria provided, single submitter. Criteria: LabCorp Variant Classification Summary - May 2015. Collection method: clinical testing. Allele origin: germline.
Comment: Variant summary: PMS2 c.2155C>T (p.Gln719X) results in a premature termination codon, predicted to cause a truncation of the encoded protein or absence of the protein due to nonsense mediated decay (NMD), which are commonly known mechanisms for disease. The variant allele was found at a frequency of 8.6e-06 in 231974 control chromosomes (gnomAD). c.2155C>T has been reported in the literature in individuals affected with Lynch Syndrome (Suerink 2015, ten Broeke 2015, van der Klift 2016), where in two patients the associated tumors lacked the PMS2 protein and displayed microsatellite instability (van der Klift 2016). These data indicate that the variant may be associated with disease. At least one publication reported experimental evidence, demonstrating the lack of mRNA, probably due to NMD (Suerink 2015, van der Klift 2016). Two clinical diagnostic laboratories have submitted clinical-significance assessments for this variant to ClinVar after 2014 without evidence for independent evaluation, and both laboratories classified the variant as pathogenic. Based on the evidence outlined above, the variant was classified as pathogenic.

ARUP Laboratories, Molecular Genetics and Genomics, ARUP Laboratories
Classification: Pathogenic. Last evaluated: 2017-06-23. Review status: criteria provided, single submitter. Criteria: ARUP Molecular Germline Variant Investigation Process. Collection method: clinical testing. Allele origin: germline.
Comment: The PMS2 c.2155C>T;p.Gln719Ter variant has been described in at least one family with a clinical diagnosis of Lynch syndrome (ten Broeke 2015). The variant is listed in the ClinVar database (Variation ID: 231993), but is not listed in the dbSNP variant database. The variant is listed in the Genome Aggregation Database with an allele frequency of 0.0008622 percent (2/231974 alleles). This variant introduces a premature termination codon and is predicted to result in a truncated or absent protein. Considering available information, this variant is classified as pathogenic. References: ten Broeke SW et al. Lynch syndrome caused by germline PMS2 mutations: delineating the cancer risk. J Clin Oncol. 2015 Feb 1;33(4):319-25.

Literature cited by the submitters: PubMed 21376568 (cited by Labcorp Genetics (formerly Invitae), Labcorp); PubMed 24362816 (cited by Labcorp Genetics (formerly Invitae), Labcorp); PubMed 25512458 (cited by 3 submitters); PubMed 31948886 (cited by Labcorp Genetics (formerly Invitae), Labcorp); PubMed 26110232 (cited by Ambry Genetics); PubMed 27435373 (cited by Ambry Genetics and Women's Health and Genetics/Laboratory Corporation of America, LabCorp); PubMed 35734982 (cited by Ambry Genetics and Color Diagnostics, LLC DBA Color Health).

NM_000535.7(PMS2):c.2155C>T (p.Gln719Ter)

Gene: PMS2 (PMS1 homolog 2, mismatch repair system component; minus strand). Cytogenetic location: 7p22.1.
Variant type: single nucleotide variant.
Coding change: c.2155C>T on transcript NM_000535.7 (MANE Select); coding-DNA position 2155, C replaced by T.
Protein change: p.Gln719Ter; replaces glutamine 719 with a stop codon.
Molecular consequence: nonsense. On other transcripts: non-coding transcript variant (1).
Genome position (GRCh38, 1-based): chr7:5,982,843, G>A on the plus strand (C>T on the coding strand, the complement: PMS2 is on the minus strand). VCF-style: chr7-5982843-G-A. GRCh37 (hg19) VCF-style: chr7-6022474-G-A.
Other names: c.1750C>T, p.Gln584Ter (NM_001322003.2, NM_001322004.2, NM_001322005.2 and 1 more transcripts); c.1999C>T, p.Gln667Ter (NM_001322006.2); c.1837C>T, p.Gln613Ter (NM_001322007.2, NM_001322008.2); c.1594C>T, p.Gln532Ter (NM_001322010.2); c.1222C>T, p.Gln408Ter (NM_001322011.2, NM_001322012.2); c.1582C>T, p.Gln528Ter (NM_001322013.2); c.2155C>T, p.Gln719Ter (NM_001322014.2); c.1846C>T, p.Gln616Ter (NM_001322015.2); short protein forms Q719*, Q408*, Q613*, Q528*, Q584*, Q667*, Q532*, Q616*.
Identifiers: ClinVar variation 231993 (VCV000231993.20), dbSNP rs876659480, ClinGen allele CA10578653.